The following is an entry in ClinVar:

NM_001330588.2(TPP2):c.3222T>C (p.His1074=)

Gene: TPP2 (tripeptidyl peptidase 2; plus strand). Cytogenetic location: 13q33.1.
Variant type: single nucleotide variant.
Coding change: c.3222T>C on transcript NM_001330588.2 (MANE Select); coding-DNA position 3222, T replaced by C.
Protein change: p.His1074=; no amino-acid change (histidine 1074 retained).
Molecular consequence: synonymous variant. On other transcripts: non-coding transcript variant (1).
Genome position (GRCh38, 1-based): chr13:102,663,726, T>C. VCF-style: chr13-102663726-T-C. GRCh37 (hg19) VCF-style: chr13-103316076-T-C.
Other names: c.3183T>C, p.His1061= (NM_001367947.1, NM_003291.4); c.3183T>C (NM_003291.3).
Identifiers: ClinVar variation 715289 (VCV000715289.12), dbSNP rs147337260, ClinGen allele CA7038219.
Genomic context (GRCh38, chr13:102,663,726, plus strand): 5'-TTATAACGAATTGAAAGAAACATATCCTAATTATCTTCCTCTGTACGTTGCACGACTTCA[T>C]CAATTGGATGCTGAAAAGGTTAGACATGTTCATTCTGATATATCTTATTTTGTTTGTAAT-3'
Protein context (NP_001317517.1, residues 1064-1084): NYLPLYVARL[His1074=]QLDAEKERMK

ClinVar aggregate classification (germline): Likely benign. Review status: criteria provided, multiple submitters, no conflicts (2 of 4 stars). 3 submissions from 3 submitters: Likely benign (2). 1 of the submissions does not count toward it. Last evaluated 2025-12-30.

Conditions:
Evans syndrome, immunodeficiency, and premature immunosenescence associated with tripeptidyl-peptidase II deficiency. Identifiers: MedGen CN231723. Disease mechanism: loss of function.
TPP2-related disorder. Also called: TPP2-related condition.

Allele frequency attached by ClinVar (database versions not stated): gnomAD exomes 0.00004 and 0.00013; ExAC 0.00019; ESP Exome Variant Server 0.00031; gnomAD 0.00052 and 0.00055; TOPMed 0.00058; 1000 Genomes Project 0.00140; 1000 Genomes Project 30x 0.00172.
gnomAD v4.1: 145 of 1,602,032 alleles (0.0091%); highest among the groups gnomAD compares: African/African-American, 0.18%; no homozygotes.

Submissions (3):

Labcorp Genetics (formerly Invitae), Labcorp
Classification: Likely benign for Evans syndrome, immunodeficiency, and premature immunosenescence associated with tripeptidyl-peptidase II deficiency. Last evaluated: 2025-12-30. Review status: criteria provided, single submitter. Criteria: Invitae Variant Classification Sherloc (09022015). Collection method: clinical testing. Allele origin: germline.

Blueprint Genetics
Classification: Likely benign. Last evaluated: 2024-03-09. Review status: criteria provided, single submitter. Criteria: ACMG Guidelines, 2015. Collection method: clinical testing. Allele origin: germline.

PreventionGenetics, part of Exact Sciences
Classification: Likely benign for TPP2-related condition. Last evaluated: 2019-12-23. Review status: no assertion criteria provided. Collection method: clinical testing. Allele origin: germline. Not counted in ClinVar's aggregate classification.
Comment: This variant is classified as likely benign based on ACMG/AMP sequence variant interpretation guidelines (Richards et al. 2015 PMID: 25741868, with internal and published modifications).